The following is an entry in ClinVar:

ClinVar aggregate classification (germline): other (0 of 4 stars; one submission).

Conditions:
Familial colorectal cancer. Identifiers: MedGen CN280943, MONDO:0023113. Disease mechanism: loss of function.

Submission:

Systems Biology Platform Zhejiang California International NanoSystems Institute
Classification: other for Familial colorectal cancer. Review status: no assertion criteria provided. Collection method: not provided. Allele origin: unknown.
ClinVar note: Converted during submission from cancer to other.

NC_000005.10:g.112846418A>T

Variant type: single nucleotide variant.
Genome position: GRCh38 VCF-style: chr5-112846418-A-T. GRCh37 (hg19) VCF-style: chr5-112182115-A-T.
Identifiers: ClinVar variation 83264 (VCV000083264.2), dbSNP rs77771787, ClinGen allele CA250956.
Genomic context (GRCh38, chr5:112,846,418, plus strand): 5'-TCAATTAGATAAACTTGCCTTTTAATTCAAATAAGGAAGAAAATATAAATGCTGAAAATG[A>T]ACATTCCACATGCCAGAAAAGTGGAATTTTTGTAGGCAACACTTGAGTGGGGGGAGACGG-3'